The following is an entry in ClinVar:

NM_004612.4(TGFBR1):c.575-1G>C

Gene: TGFBR1 (transforming growth factor beta receptor 1; plus strand). Cytogenetic location: 9q22.33.
Variant type: single nucleotide variant.
Coding change: c.575-1G>C on transcript NM_004612.4 (MANE Select); the canonical splice acceptor site of the intron before coding-DNA position 575, G replaced by C.
Molecular consequence: splice acceptor variant. On other transcripts: intron variant (2).
Genome position (GRCh38, 1-based): chr9:99,137,858, G>C. VCF-style: chr9-99137858-G-C. GRCh37 (hg19) VCF-style: chr9-101900140-G-C.
Other names: c.380-1G>C (NM_001407418.1, NM_001407419.1, NM_001407422.1 and 1 more transcripts); c.368-1G>C (NM_001407423.1, NM_001407424.1, NM_001407425.1 and 8 more transcripts); c.587-1G>C (NM_001306210.2, NM_001407416.1); c.575-1G>C (NM_001407417.1); c.575-4678G>C (NM_001407435.1); c.344-1G>C (NM_001130916.3); c.329-1G>C (NM_001407436.1); c.98-1G>C (NM_001407438.1); and 1 more.
Identifiers: ClinVar variation 1475883 (VCV001475883.8), dbSNP rs2118707001, ClinGen allele CA374229234.

ClinVar aggregate classification (germline): Likely pathogenic (1 of 4 stars; one submission).

Conditions:
Familial thoracic aortic aneurysm and aortic dissection (TAAD). Also called: Thoracic aortic aneurysms and dissections. Identifiers: Orphanet 91387, MedGen C4707243, MONDO:0019625.

Submission:

Labcorp Genetics (formerly Invitae), Labcorp
Classification: Likely pathogenic for Familial thoracic aortic aneurysm and aortic dissection. Last evaluated: 2023-12-29. Review status: criteria provided, single submitter. Criteria: Invitae Variant Classification Sherloc (09022015). Collection method: clinical testing. Allele origin: germline.
Comment: This sequence change affects an acceptor splice site in intron 3 of the TGFBR1 gene. It is expected to disrupt RNA splicing. Variants that disrupt the donor or acceptor splice site typically lead to a loss of protein function (PMID: 16199547), and loss-of-function variants in TGFBR1 are known to be pathogenic (PMID: 21358634). This variant is not present in population databases (gnomAD no frequency). This variant has not been reported in the literature in individuals affected with TGFBR1-related conditions. ClinVar contains an entry for this variant (Variation ID: 1475883). Algorithms developed to predict the effect of sequence changes on RNA splicing suggest that this variant may disrupt the consensus splice site. In summary, the currently available evidence indicates that the variant is pathogenic, but additional data are needed to prove that conclusively. Therefore, this variant has been classified as Likely Pathogenic.

Literature cited by the submitters: PubMed 16199547; PubMed 21358634.